The following is an entry in ClinVar:

NM_002570.5(PCSK6):c.2891C>T (p.Thr964Met)

Genes: PCSK6 (proprotein convertase subtilisin/kexin type 6; minus strand), SNRPA1-DT (SNRPA1 divergent transcript; plus strand). Cytogenetic location: 15q26.3.
Variant type: single nucleotide variant.
Coding change: c.2891C>T on transcript NM_002570.5 (MANE Select); coding-DNA position 2891, C replaced by T.
Protein change: p.Thr964Met; replaces threonine 964 with methionine.
Molecular consequence: missense variant.
Genome position (GRCh38, 1-based): chr15:101,305,277, G>A on the plus strand (C>T on the coding strand, the complement: PCSK6 is on the minus strand). VCF-style: chr15-101305277-G-A. GRCh37 (hg19) VCF-style: chr15-101845482-G-A.
Other names: c.2669C>T, p.Thr890Met (NM_001291309.2); c.2852C>T, p.Thr951Met (NM_138319.4); short protein forms T890M, T964M, T951M.
Identifiers: ClinVar variation 788742 (VCV000788742.6), dbSNP rs34631529, ClinGen allele CA7763392.

ClinVar aggregate classification (germline): Likely benign. Review status: criteria provided, multiple submitters, no conflicts (2 of 4 stars). 3 submissions from 3 submitters: Likely benign (3). Last evaluated 2026-04-01.

Allele frequency attached by ClinVar (database versions not stated): 1000 Genomes Project 0.00140; 1000 Genomes Project 30x 0.00141; gnomAD 0.00300 and 0.00308; TOPMed 0.00309; ESP Exome Variant Server 0.00323.
gnomAD v4.1: 6,758 of 1,611,692 alleles (0.42%); highest among the groups gnomAD compares: Non-Finnish European, 0.5%; 20 homozygotes.

Submissions (3):

CeGaT Center for Human Genetics Tuebingen
Classification: Likely benign. Last evaluated: 2026-04-01. Review status: criteria provided, single submitter. Criteria: CeGaT Center For Human Genetics Tuebingen Variant Classification Criteria Version 2. Collection method: clinical testing. Allele origin: germline. Affected: yes. Observed: 1 variant allele.
Comment: PCSK6: BS2; SNRPA1-DT: BS2

Labcorp Genetics (formerly Invitae), Labcorp
Classification: Likely benign. Last evaluated: 2018-09-20. Review status: criteria provided, single submitter. Criteria: Invitae Variant Classification Sherloc (09022015). Collection method: clinical testing. Allele origin: germline.

Breakthrough Genomics
Classification: Likely benign. Review status: criteria provided, single submitter. Criteria: ACMG Guidelines, 2015. Collection method: not provided. Allele origin: germline. Inheritance: Unknown mechanism. Affected: yes.